The following is an entry in ClinVar:

ClinVar aggregate classification (germline): Uncertain significance (1 of 4 stars; one submission).

Allele frequency attached by ClinVar (database versions not stated): ESP Exome Variant Server 0.00008.
gnomAD v4.1: 13 of 1,538,724 alleles (0.00084%); highest among the groups gnomAD compares: Non-Finnish European, 0.0011%; no homozygotes.

Submission:

Labcorp Genetics (formerly Invitae), Labcorp
Classification: Uncertain significance. Last evaluated: 2024-03-21. Review status: criteria provided, single submitter. Criteria: Invitae Variant Classification Sherloc (09022015). Collection method: clinical testing. Allele origin: germline.
Comment: This sequence change replaces glutamic acid, which is acidic and polar, with lysine, which is basic and polar, at codon 254 of the LRRC56 protein (p.Glu254Lys). This variant is not present in population databases (gnomAD no frequency). This variant has not been reported in the literature in individuals affected with LRRC56-related conditions. Advanced modeling of protein sequence and biophysical properties (such as structural, functional, and spatial information, amino acid conservation, physicochemical variation, residue mobility, and thermodynamic stability) performed at Invitae indicates that this missense variant is not expected to disrupt LRRC56 protein function with a negative predictive value of 80%. In summary, the available evidence is currently insufficient to determine the role of this variant in disease. Therefore, it has been classified as a Variant of Uncertain Significance.

NM_198075.4(LRRC56):c.760G>A (p.Glu254Lys)

Gene: LRRC56 (leucine rich repeat containing 56; plus strand). Cytogenetic location: 11p15.5.
Variant type: single nucleotide variant.
Coding change: c.760G>A on transcript NM_198075.4 (MANE Select); coding-DNA position 760, G replaced by A.
Protein change: p.Glu254Lys; replaces glutamic acid 254 with lysine.
Molecular consequence: missense variant.
Genome position (GRCh38, 1-based): chr11:551,266, G>A. VCF-style: chr11-551266-G-A. GRCh37 (hg19) VCF-style: chr11-551266-G-A.
Other names: short protein forms E254K.
Identifiers: ClinVar variation 3018598 (VCV003018598.2), dbSNP rs372959912, ClinGen allele CA216895998.